The following is an entry in ClinVar:

NM_000123.4(ERCC5):c.3554A>C (p.Lys1185Thr)

Genes: BIVM-ERCC5 (BIVM-ERCC5 readthrough; plus strand), ERCC5 (ERCC excision repair 5, endonuclease; plus strand). Cytogenetic location: 13q33.1.
Variant type: single nucleotide variant.
Coding change: c.3554A>C on transcript NM_000123.4 (MANE Select); coding-DNA position 3554, A replaced by C.
Protein change: p.Lys1185Thr; replaces lysine 1185 with threonine.
Molecular consequence: missense variant.
Genome position (GRCh38, 1-based): chr13:102,875,896, A>C. VCF-style: chr13-102875896-A-C. GRCh37 (hg19) VCF-style: chr13-103528246-A-C.
Other names: c.4916A>C, p.Lys1639Thr (NM_001204425.2); short protein forms K1185T, K1639T.
Identifiers: ClinVar variation 997612 (VCV000997612.13), dbSNP rs201911663, ClinGen allele CA7041930.

ClinVar aggregate classification (germline): Conflicting classifications of pathogenicity. Review status: criteria provided, conflicting classifications (1 of 4 stars). 8 submissions from 8 submitters: Uncertain significance (7); Likely benign (1). Last evaluated 2025-09-30.

Conditions:
Cerebrooculofacioskeletal syndrome 3 (COFS3). Identifiers: MedGen C1851443, MONDO:0014696, OMIM 616570.
Xeroderma pigmentosum, group G (XPG). Also called: ERCC5-Related Xeroderma Pigmentosum; XERODERMA PIGMENTOSUM VII; XP, GROUP G; Xeroderma pigmentosum type 7. Identifiers: MedGen C0268141, MONDO:0010216, OMIM 278780.
Hereditary cancer-predisposing syndrome. Also called: Hereditary Cancer Syndrome; Hereditary neoplastic syndrome; Tumor predisposition; Neoplastic Syndromes, Hereditary. Identifiers: Orphanet 140162, MedGen C0027672, MeSH D009386, MONDO:0015356.

Allele frequency attached by ClinVar (database versions not stated): ExAC 0.00013; gnomAD exomes 0.00018; gnomAD 0.00022; TOPMed 0.00024; ESP Exome Variant Server 0.00054.
gnomAD v4.1: 673 of 1,605,322 alleles (0.042%); highest among the groups gnomAD compares: Non-Finnish European, 0.054%; no homozygotes.

Submissions (8):

Women's Health and Genetics/Laboratory Corporation of America, LabCorp
Classification: Likely benign. Last evaluated: 2025-09-30. Review status: criteria provided, single submitter. Criteria: LabCorp Variant Classification Summary - May 2015. Collection method: clinical testing. Allele origin: germline.
Comment: Variant summary: ERCC5 c.3554A>C (p.Lys1185Thr) results in a non-conservative amino acid change in the encoded protein sequence. Algorithms developed to predict the effect of missense changes on protein structure and function are either unavailable or do not agree on the potential impact of this missense change. The variant allele was found at a frequency of 0.00018 in 239658 control chromosomes, predominantly at a frequency of 0.0003 within the Non-Finnish European subpopulation in the gnomAD database. The observed variant frequency within Non-Finnish European control individuals in the gnomAD database exceeds the estimated maximal expected allele frequency for disease-causing variants in ERCC5. To our knowledge, no occurrence of c.3554A>C in individuals affected with ERCC5-related conditions and no experimental evidence demonstrating its impact on protein function have been reported. The following publications have been ascertained in the context of this evaluation (PMID: 30680046, 35918329, 30306255). ClinVar contains an entry for this variant (Variation ID: 997612). Based on the evidence outlined above, the variant was classified as likely benign.

Blueprint Genetics
Classification: Uncertain significance. Last evaluated: 2024-11-14. Review status: criteria provided, single submitter. Criteria: ACMG Guidelines, 2015. Collection method: clinical testing. Allele origin: germline.

GeneDx
Classification: Uncertain significance. Last evaluated: 2024-08-26. Review status: criteria provided, single submitter. Criteria: GeneDx Variant Classification Process June 2021. Collection method: clinical testing. Allele origin: germline. Affected: yes.
Comment: Identified in individuals with personal or family history of breast or ovarian cancer (PMID: 30306255); In silico analysis supports that this missense variant has a deleterious effect on protein structure/function; This variant is associated with the following publications: (PMID: 30306255)

Fulgent Genetics
Classification: Uncertain significance for Xeroderma pigmentosum, group G; Cerebrooculofacioskeletal syndrome 3. Last evaluated: 2022-05-13. Review status: criteria provided, single submitter. Criteria: ACMG Guidelines, 2015. Collection method: clinical testing. Allele origin: unknown.

Labcorp Genetics (formerly Invitae), Labcorp
Classification: Uncertain significance. Last evaluated: 2022-03-28. Review status: criteria provided, single submitter. Criteria: Invitae Variant Classification Sherloc (09022015). Collection method: clinical testing. Allele origin: germline.
Comment: This sequence change replaces lysine, which is basic and polar, with threonine, which is neutral and polar, at codon 1185 of the ERCC5 protein (p.Lys1185Thr). This variant is present in population databases (rs201911663, gnomAD 0.03%). This missense change has been observed in individual(s) with breast and/or ovarian cancer (PMID: 30306255). ClinVar contains an entry for this variant (Variation ID: 997612). Algorithms developed to predict the effect of missense changes on protein structure and function output the following: SIFT: "Deleterious"; PolyPhen-2: "Not Available"; Align-GVGD: "Class C0". The threonine amino acid residue is found in multiple mammalian species, which suggests that this missense change does not adversely affect protein function. In summary, the available evidence is currently insufficient to determine the role of this variant in disease. Therefore, it has been classified as a Variant of Uncertain Significance.

Sema4
Classification: Uncertain significance for Hereditary cancer-predisposing syndrome. Last evaluated: 2021-11-09. Review status: criteria provided, single submitter. Criteria: Sema4 Curation Guidelines. Collection method: curation. Allele origin: germline.
Comment: The ERCC5 c.3554A>C (p.K1185T) variant has been reported in a cohort consisting of both healthy individuals and individuals affected with breast cancer, though it is unclear whether the carrier of the variant was affected or not (PMID: 30306255). It has also been reported in controls without cancer (PMID: 29641532). It was observed in 39/126822 chromosomes of the Non-Finnish European subpopulation, with no homozygotes, in the large and broad cohorts of the Genome Aggregation Database (PMID: 32461654). The variant has been reported in ClinVar (Variation ID: 997612). Computational analyses and evolutionary conservation data do not provide strong support for or against an impact to the protein, however these predictions have not been confirmed by published functional studies. The evidence is insufficient to meet ACMG/AMP criteria for classifying the variant as benign or pathogenic. Thus, the clinical significance of this variant is currently uncertain.

Institute for Clinical Genetics, University Hospital TU Dresden, University Hospital TU Dresden
Classification: Uncertain significance. Last evaluated: 2021-11-03. Review status: criteria provided, single submitter. Criteria: ACMG Guidelines, 2015. Collection method: clinical testing. Allele origin: germline.

Baylor Genetics
Classification: Uncertain significance for Cerebrooculofacioskeletal syndrome 3. Last evaluated: 2019-09-11. Review status: criteria provided, single submitter. Criteria: ACMG Guidelines, 2015. Collection method: clinical testing. Allele origin: unknown. Affected: yes. Study: CSER-TexasKidsCanSeq.
Comment: This variant was determined to be of uncertain significance according to ACMG Guidelines, 2015 [PMID:25741868].

Literature cited by the submitters: PubMed 30680046 (cited by Women's Health and Genetics/Laboratory Corporation of America, LabCorp); PubMed 30306255 (cited by 3 submitters); PubMed 35918329 (cited by Women's Health and Genetics/Laboratory Corporation of America, LabCorp); PubMed 29641532 (cited by Sema4).